The following is an entry in ClinVar:

NM_002299.4(LCT):c.2429G>T (p.Gly810Val)

Gene: LCT (lactase; minus strand). Cytogenetic location: 2q21.3.
Variant type: single nucleotide variant.
Coding change: c.2429G>T on transcript NM_002299.4 (MANE Select); coding-DNA position 2429, G replaced by T.
Protein change: p.Gly810Val; replaces glycine 810 with valine.
Molecular consequence: missense variant.
Genome position (GRCh38, 1-based): chr2:135,809,918, C>A on the plus strand (G>T on the coding strand, the complement: LCT is on the minus strand). VCF-style: chr2-135809918-C-A. GRCh37 (hg19) VCF-style: chr2-136567488-C-A.
Other names: short protein forms G810V.
Identifiers: ClinVar variation 3691219 (VCV003691219.2).

ClinVar aggregate classification (germline): Uncertain significance (1 of 4 stars; one submission).

gnomAD v4.1: 1 of 1,614,148 alleles (0.000062%); highest among the groups gnomAD compares: Non-Finnish European, 0.000085%; no homozygotes.

Submission:

Labcorp Genetics (formerly Invitae), Labcorp
Classification: Uncertain significance. Last evaluated: 2024-04-22. Review status: criteria provided, single submitter. Criteria: Invitae Variant Classification Sherloc (09022015). Collection method: clinical testing. Allele origin: germline.
Comment: This sequence change replaces glycine, which is neutral and non-polar, with valine, which is neutral and non-polar, at codon 810 of the LCT protein (p.Gly810Val). This variant is present in population databases (rs748853956, gnomAD 0.0009%). This variant has not been reported in the literature in individuals affected with LCT-related conditions. An algorithm developed to predict the effect of missense changes on protein structure and function (PolyPhen-2) suggests that this variant is likely to be disruptive. In summary, the available evidence is currently insufficient to determine the role of this variant in disease. Therefore, it has been classified as a Variant of Uncertain Significance.